The following is an entry in ClinVar:

ClinVar aggregate classification (germline): Uncertain significance (1 of 4 stars; one submission).

Conditions:
Myofibrillar myopathy 3 (MFM3). Also called: Muscular dystrophy, proximal, type 1A; Autosomal dominant spheroid body myopathy. Identifiers: Orphanet 266, Orphanet 268129, MedGen C3714934, MONDO:0012215, OMIM 609200.

Submission:

Labcorp Genetics (formerly Invitae), Labcorp
Classification: Uncertain significance for Myofibrillar myopathy 3. Last evaluated: 2022-03-26. Review status: criteria provided, single submitter. Criteria: Invitae Variant Classification Sherloc (09022015). Collection method: clinical testing. Allele origin: germline.
Comment: In summary, the available evidence is currently insufficient to determine the role of this variant in disease. Therefore, it has been classified as a Variant of Uncertain Significance. Algorithms developed to predict the effect of missense changes on protein structure and function are either unavailable or do not agree on the potential impact of this missense change (SIFT: "Tolerated"; PolyPhen-2: "Possibly Damaging"; Align-GVGD: "Class C0"). This variant has not been reported in the literature in individuals affected with MYOT-related conditions. This variant is not present in population databases (gnomAD no frequency). This sequence change replaces leucine, which is neutral and non-polar, with tryptophan, which is neutral and slightly polar, at codon 295 of the MYOT protein (p.Leu295Trp).

NM_006790.3(MYOT):c.884T>G (p.Leu295Trp)

Genes: PKD2L2-DT (PKD2L2 divergent transcript; minus strand), MYOT (myotilin; plus strand). Cytogenetic location: 5q31.2.
Variant type: single nucleotide variant.
Coding change: c.884T>G on transcript NM_006790.3 (MANE Select); coding-DNA position 884, T replaced by G.
Protein change: p.Leu295Trp; replaces leucine 295 with tryptophan.
Molecular consequence: missense variant.
Genome position (GRCh38, 1-based): chr5:137,883,451, T>G. VCF-style: chr5-137883451-T-G. GRCh37 (hg19) VCF-style: chr5-137219140-T-G.
Other names: c.332T>G, p.Leu111Trp (NM_001135940.2); c.539T>G, p.Leu180Trp (NM_001300911.2); short protein forms L180W, L295W, L111W.
Identifiers: ClinVar variation 2115146 (VCV002115146.4), dbSNP rs2532018302, ClinGen allele CA361055641.